The following is an entry in ClinVar:

ClinVar aggregate classification (germline): Uncertain significance (1 of 4 stars; one submission).

Conditions:
Atrial conduction disease. Identifiers: Orphanet 436242, MedGen CN221670, MONDO:0014500.

Submission:

ARUP Laboratories, Molecular Genetics and Genomics, ARUP Laboratories
Classification: Uncertain significance for Cardiac conduction disease with or without dilated cardiomyopathy 1. Last evaluated: 2025-07-23. Review status: criteria provided, single submitter. Criteria: ARUP Molecular Germline Variant Investigation Process 2024. Collection method: clinical testing. Allele origin: germline.
Comment: The TNNI3K c.1720A>G; p.Met574Val variant, to our knowledge, is not reported in the medical literature or gene specific databases. This variant is also absent from the Genome Aggregation Database (v2.1.1), indicating it is not a common polymorphism. Computational analyses are uncertain whether this variant is neutral or deleterious (REVEL: 0.549). Due to limited information, the clinical significance of this variant is uncertain at this time.

NM_015978.3(TNNI3K):c.1720A>G (p.Met574Val)

Genes: FPGT-TNNI3K (FPGT-TNNI3K readthrough; plus strand), TNNI3K (TNNI3 interacting kinase; plus strand). Cytogenetic location: 1p31.1.
Variant type: single nucleotide variant.
Coding change: c.1720A>G on transcript NM_015978.3 (MANE Select); coding-DNA position 1720, A replaced by G.
Protein change: p.Met574Val; replaces methionine 574 with valine.
Molecular consequence: missense variant.
Genome position (GRCh38, 1-based): chr1:74,370,340, A>G. VCF-style: chr1-74370340-A-G. GRCh37 (hg19) VCF-style: chr1-74836024-A-G.
Other names: c.2023A>G, p.Met675Val (NM_001112808.3, NM_001199327.2); short protein forms M574V, M675V.
Identifiers: ClinVar variation 4685974 (VCV004685974.1).